The following is an entry in ClinVar:

ClinVar aggregate classification (germline): Likely benign. Review status: criteria provided, multiple submitters, no conflicts (2 of 4 stars). 2 submissions from 2 submitters: Likely benign (2). Last evaluated 2024-12-14.

Conditions:
Weaver syndrome (WVS). Also called: Weaver Smith syndrome; Overgrowth syndrome with accelerated skeletal maturation, unusual facies, and camptodactyly. Identifiers: Orphanet 3447, MedGen C0265210, MONDO:0010193, OMIM 277590.

Allele frequency attached by ClinVar (database versions not stated): gnomAD exomes 0.00002; gnomAD 0.00003; TOPMed 0.00003; ExAC 0.00005; ESP Exome Variant Server 0.00008.
gnomAD v4.1: 34 of 1,598,100 alleles (0.0021%); highest among the groups gnomAD compares: South Asian, 0.0068%; no homozygotes.

Submissions (2):

Labcorp Genetics (formerly Invitae), Labcorp
Classification: Likely benign for Weaver syndrome. Last evaluated: 2024-12-14. Review status: criteria provided, single submitter. Criteria: Invitae Variant Classification Sherloc (09022015). Collection method: clinical testing. Allele origin: germline.

GeneDx
Classification: Likely benign. Last evaluated: 2016-03-04. Review status: criteria provided, single submitter. Criteria: GeneDx Variant Classification (06012015). Collection method: clinical testing. Allele origin: germline. Affected: yes.
Comment: This variant is considered likely benign or benign based on one or more of the following criteria: it is a conservative change, it occurs at a poorly conserved position in the protein, it is predicted to be benign by multiple in silico algorithms, and/or has population frequency not consistent with disease.

NM_004456.5(EZH2):c.2232C>T (p.Ile744=)

Gene: EZH2 (enhancer of zeste 2 polycomb repressive complex 2 subunit; minus strand). Cytogenetic location: 7q36.1.
Variant type: single nucleotide variant.
Coding change: c.2232C>T on transcript NM_004456.5 (MANE Select); coding-DNA position 2232, C replaced by T.
Protein change: p.Ile744=; no amino-acid change (isoleucine 744 retained).
Molecular consequence: synonymous variant.
Genome position (GRCh38, 1-based): chr7:148,807,670, G>A on the plus strand (C>T on the coding strand, the complement: EZH2 is on the minus strand). VCF-style: chr7-148807670-G-A. GRCh37 (hg19) VCF-style: chr7-148504762-G-A.
Other names: c.2217C>T, p.Ile739= (NM_001203247.2); c.2190C>T, p.Ile730= (NM_001203248.2); c.2064C>T, p.Ile688= (NM_001203249.2); c.2100C>T, p.Ile700= (NM_152998.3).
Identifiers: ClinVar variation 384018 (VCV000384018.10), dbSNP rs373975096, ClinGen allele CA4547658.
Genomic context (GRCh38, chr7:148,807,670, plus strand): 5'-AGCTGTTTCAGAGGAGGGGGGAGGAGGTAGCAGATGTCAAGGGATTTCCATTTCTCTTTC[G>A]ATGCCGACATACTTCAGGGCATCAGCCTGGCTGTATCTGAAACAACAGGAAGGAGATGTC-3'
Protein context (NP_004447.2, residues 734-751): SQADALKYVG[Ile744=]EREMEIP